The following is an entry in ClinVar:

NM_002485.5(NBN):c.712T>C (p.Leu238=)

Gene: NBN (nibrin; minus strand). Cytogenetic location: 8q21.3.
Variant type: single nucleotide variant.
Coding change: c.712T>C on transcript NM_002485.5 (MANE Select); coding-DNA position 712, T replaced by C.
Protein change: p.Leu238=; no amino-acid change (leucine 238 retained).
Molecular consequence: synonymous variant.
Genome position (GRCh38, 1-based): chr8:89,970,548, A>G on the plus strand (T>C on the coding strand, the complement: NBN is on the minus strand). VCF-style: chr8-89970548-A-G. GRCh37 (hg19) VCF-style: chr8-90982776-A-G.
Other names: c.466T>C, p.Leu156= (NM_001024688.3).
Identifiers: ClinVar variation 388420 (VCV000388420.10), dbSNP rs748400884, ClinGen allele CA4802893.
Genomic context (GRCh38, chr8:89,970,548, plus strand): 5'-CTTCATTCTCTTCTGTTATCAACCTAGCTTCCCCACCTCCAAAGACAACTGCGGAACTCA[A>G]TTTCTTATGCTAAAAATGGAAGGAAACATTTTTTAAAGTAAAATGTAGTAATTTTTTGAA-3'
Protein context (NP_002476.2, residues 228-248): IFLNAKQHKK[Leu238=]SSAVVFGGGE

ClinVar aggregate classification (germline): Likely benign. Review status: criteria provided, multiple submitters, no conflicts (2 of 4 stars). 3 submissions from 3 submitters: Likely benign (3). Last evaluated 2026-07-09.

Conditions:
Hereditary cancer-predisposing syndrome. Also called: Neoplastic Syndromes, Hereditary; Hereditary Cancer Syndrome; Tumor predisposition; Hereditary neoplastic syndrome. Identifiers: Orphanet 140162, MedGen C0027672, MeSH D009386, MONDO:0015356.
Microcephaly, normal intelligence and immunodeficiency (NBS). Also called: Ataxia telangiectasia variant V1; Immunodeficiency, microcephaly with normal intelligence; IMMUNODEFICIENCY, MICROCEPHALY, AND CHROMOSOMAL INSTABILITY; SEEMANOVA SYNDROME II; Nijmegen breakage syndrome; Microcephaly with normal intelligence immunodeficiency and lymphoreticular malignancies. Identifiers: Orphanet 647, MedGen C0398791, MONDO:0009623, OMIM 251260.

Allele frequency attached by ClinVar (database versions not stated): gnomAD exomes below 0.00001; ExAC 0.00002.
gnomAD v4.1: 1 of 1,613,344 alleles (0.000062%); highest among the groups gnomAD compares: African/African-American, 0.0013%; no homozygotes.

Submissions (3):

Ambry Genetics
Classification: Likely benign for Hereditary cancer-predisposing syndrome. Last evaluated: 2026-07-09. Review status: criteria provided, single submitter. Criteria: Ambry Variant Classification Scheme 2023. Collection method: clinical testing. Allele origin: germline.

Labcorp Genetics (formerly Invitae), Labcorp
Classification: Likely benign for Microcephaly, normal intelligence and immunodeficiency. Last evaluated: 2023-08-10. Review status: criteria provided, single submitter. Criteria: Invitae Variant Classification Sherloc (09022015). Collection method: clinical testing. Allele origin: germline.

GeneDx
Classification: Likely benign. Last evaluated: 2016-08-09. Review status: criteria provided, single submitter. Criteria: GeneDx Variant Classification (06012015). Collection method: clinical testing. Allele origin: germline. Affected: yes.
Comment: This variant is considered likely benign or benign based on one or more of the following criteria: it is a conservative change, it occurs at a poorly conserved position in the protein, it is predicted to be benign by multiple in silico algorithms, and/or has population frequency not consistent with disease.